The following is an entry in ClinVar:

ClinVar aggregate classification (germline): Uncertain significance (1 of 4 stars; one submission).

Conditions:
Intellectual developmental disorder, autosomal dominant 1. Also called: Intellectual disability, autosomal dominant 1; MBD5 Haploinsufficiency. Identifiers: Orphanet 228402, MedGen C1969562, MONDO:0007974, OMIM 156200.

Submission:

Labcorp Genetics (formerly Invitae), Labcorp
Classification: Uncertain significance for Intellectual developmental disorder, autosomal dominant 1. Last evaluated: 2022-01-17. Review status: criteria provided, single submitter. Criteria: Invitae Variant Classification Sherloc (09022015). Collection method: clinical testing. Allele origin: germline.
Comment: This sequence change replaces isoleucine, which is neutral and non-polar, with phenylalanine, which is neutral and non-polar, at codon 787 of the MBD5 protein (p.Ile787Phe). This variant is not present in population databases (gnomAD no frequency). This variant has not been reported in the literature in individuals affected with MBD5-related conditions. Algorithms developed to predict the effect of missense changes on protein structure and function are either unavailable or do not agree on the potential impact of this missense change (SIFT: "Deleterious"; PolyPhen-2: "Benign"; Align-GVGD: "Class C0"). In summary, the available evidence is currently insufficient to determine the role of this variant in disease. Therefore, it has been classified as a Variant of Uncertain Significance.

NM_001378120.1(MBD5):c.2359A>T (p.Ile787Phe)

Gene: MBD5 (methyl-CpG binding domain protein 5; plus strand). Cytogenetic location: 2q23.1.
Variant type: single nucleotide variant.
Coding change: c.2359A>T on transcript NM_001378120.1 (MANE Select); coding-DNA position 2359, A replaced by T.
Protein change: p.Ile787Phe; replaces isoleucine 787 with phenylalanine.
Molecular consequence: missense variant.
Genome position (GRCh38, 1-based): chr2:148,470,302, A>T. VCF-style: chr2-148470302-A-T. GRCh37 (hg19) VCF-style: chr2-149227871-A-T.
Other names: c.2359A>T, p.Ile787Phe (NM_018328.5); short protein forms I787F.
Identifiers: ClinVar variation 2087330 (VCV002087330.4), dbSNP rs2469876632, ClinGen allele CA348721693.